The following is an entry in ClinVar:

NM_006005.3(WFS1):c.2284A>T (p.Lys762Ter)

Gene: WFS1 (wolframin ER transmembrane glycoprotein; plus strand). Cytogenetic location: 4p16.1.
Variant type: single nucleotide variant.
Coding change: c.2284A>T on transcript NM_006005.3 (MANE Select); coding-DNA position 2284, A replaced by T.
Protein change: p.Lys762Ter; replaces lysine 762 with a stop codon.
Molecular consequence: nonsense.
Genome position (GRCh38, 1-based): chr4:6,302,079, A>T. VCF-style: chr4-6302079-A-T. GRCh37 (hg19) VCF-style: chr4-6303806-A-T.
Other names: c.2284A>T, p.Lys762Ter (NM_001145853.1); short protein forms K762*.
Identifiers: ClinVar variation 3714958 (VCV003714958.2).
Genomic context (GRCh38, chr4:6,302,079, plus strand): 5'-TGCAGCCCTGGCAACACCTCCACGGCCGAGGAGGAGCTCTGTCGCCTTAAGCTGCTGGCC[A>T]AGCACCCCTGCCACATCAAGAAGTTCGACCGCTACAAGTTTGAGATTACCGTGGGCATGC-3'

ClinVar aggregate classification (germline): Pathogenic (1 of 4 stars; one submission).

Submission:

Labcorp Genetics (formerly Invitae), Labcorp
Classification: Pathogenic. Last evaluated: 2024-08-17. Review status: criteria provided, single submitter. Criteria: Invitae Variant Classification Sherloc (09022015). Collection method: clinical testing. Allele origin: germline.
Comment: This sequence change creates a premature translational stop signal (p.Lys762*) in the WFS1 gene. While this is not anticipated to result in nonsense mediated decay, it is expected to disrupt the last 129 amino acid(s) of the WFS1 protein. This variant is not present in population databases (gnomAD no frequency). This variant has not been reported in the literature in individuals affected with WFS1-related conditions. This variant disrupts a region of the WFS1 protein in which other variant(s) (p.Ala806Pro) have been determined to be pathogenic (PMID: 11694551). This suggests that this is a clinically significant region of the protein, and that variants that disrupt it are likely to be disease-causing. For these reasons, this variant has been classified as Pathogenic.

Literature cited by the submitters: PubMed 11694551.